The following is an entry in ClinVar:

NM_001252024.2(TRPM1):c.4804G>C (p.Val1602Leu)

Gene: TRPM1 (transient receptor potential cation channel subfamily M member 1; minus strand). Cytogenetic location: 15q13.3.
Variant type: single nucleotide variant.
Coding change: c.4804G>C on transcript NM_001252024.2 (MANE Select); coding-DNA position 4804, G replaced by C.
Protein change: p.Val1602Leu; replaces valine 1602 with leucine.
Molecular consequence: missense variant.
Genome position (GRCh38, 1-based): chr15:31,001,896, C>G on the plus strand (G>C on the coding strand, the complement: TRPM1 is on the minus strand). VCF-style: chr15-31001896-C-G. GRCh37 (hg19) VCF-style: chr15-31294099-C-G.
Other names: c.4738G>C (NM_002420.4); c.4855G>C, p.Val1619Leu (NM_001252020.2); c.4738G>C, p.Val1580Leu (NM_002420.6); short protein forms V1580L, V1602L, V1619L.
Identifiers: ClinVar variation 1509524 (VCV001509524.9), dbSNP rs754358686, ClinGen allele CA7451572.

ClinVar aggregate classification (germline): Uncertain significance. Review status: criteria provided, multiple submitters, no conflicts (2 of 4 stars). 2 submissions from 2 submitters: Uncertain significance (2). Last evaluated 2025-01-08.

Conditions:
Inborn genetic diseases. Identifiers: MedGen C0950123, MeSH D030342.

Allele frequency attached by ClinVar (database versions not stated): gnomAD exomes below 0.00001 and 0.00001; ExAC 0.00001; gnomAD 0.00004; TOPMed 0.00008.
gnomAD v4.1: 11 of 1,613,952 alleles (0.00068%); highest among the groups gnomAD compares: African/African-American, 0.013%; no homozygotes.

Submissions (2):

Ambry Genetics
Classification: Uncertain significance for Inborn genetic diseases. Last evaluated: 2025-01-08. Review status: criteria provided, single submitter. Criteria: Ambry Variant Classification Scheme 2023. Collection method: clinical testing. Allele origin: germline.

Labcorp Genetics (formerly Invitae), Labcorp
Classification: Uncertain significance. Last evaluated: 2024-02-24. Review status: criteria provided, single submitter. Criteria: Invitae Variant Classification Sherloc (09022015). Collection method: clinical testing. Allele origin: germline.
Comment: This sequence change replaces valine, which is neutral and non-polar, with leucine, which is neutral and non-polar, at codon 1580 of the TRPM1 protein (p.Val1580Leu). This variant is present in population databases (rs754358686, gnomAD 0.02%). This variant has not been reported in the literature in individuals affected with TRPM1-related conditions. ClinVar contains an entry for this variant (Variation ID: 1509524). Advanced modeling of protein sequence and biophysical properties (such as structural, functional, and spatial information, amino acid conservation, physicochemical variation, residue mobility, and thermodynamic stability) has been performed at Invitae for this missense variant, however the output from this modeling did not meet the statistical confidence thresholds required to predict the impact of this variant on TRPM1 protein function. In summary, the available evidence is currently insufficient to determine the role of this variant in disease. Therefore, it has been classified as a Variant of Uncertain Significance.